The following is an entry in ClinVar:

NM_000214.3(JAG1):c.546G>C (p.Gln182His)

Gene: JAG1 (jagged canonical Notch ligand 1; minus strand). Cytogenetic location: 20p12.2.
Variant type: single nucleotide variant.
Coding change: c.546G>C on transcript NM_000214.3 (MANE Select); coding-DNA position 546, G replaced by C.
Protein change: p.Gln182His; replaces glutamine 182 with histidine.
Molecular consequence: missense variant.
Genome position (GRCh38, 1-based): chr20:10,658,616, C>G on the plus strand (G>C on the coding strand, the complement: JAG1 is on the minus strand). VCF-style: chr20-10658616-C-G. GRCh37 (hg19) VCF-style: chr20-10639264-C-G.
Other names: short protein forms Q182H.
Identifiers: ClinVar variation 1698157 (VCV001698157.2), dbSNP rs2122623700, ClinGen allele CA408240317.
Genomic context (GRCh38, chr20:10,658,616, plus strand): 5'-GGGGCGGCAGAACTTATTGCAGCCAAAGCCATAGTAGTAGTCATCACAGGTCACGCGGAT[C>G]TGATACTCAAAGTGGGCAACGCCCGTGTTCTGCTTCAGCGTCTGCCACTGCCGGCTGGGG-3'
Protein context (NP_000205.1, residues 172-192): QNTGVAHFEY[Gln182His]IRVTCDDYYY

ClinVar aggregate classification (germline): Uncertain significance (1 of 4 stars; one submission).

Submission:

GeneDx
Classification: Uncertain significance. Last evaluated: 2022-01-23. Review status: criteria provided, single submitter. Criteria: GeneDx Variant Classification Process June 2021. Collection method: clinical testing. Allele origin: germline. Affected: yes.
Comment: Not observed at significant frequency in large population cohorts (gnomAD); In silico analysis supports that this missense variant has a deleterious effect on protein structure/function; Has not been previously published as pathogenic or benign to our knowledge